The following is an entry in ClinVar:

NM_001032283.3(TMPO):c.337A>G (p.Thr113Ala)

Gene: TMPO (thymopoietin; plus strand). Cytogenetic location: 12q23.1.
Variant type: single nucleotide variant.
Coding change: c.337A>G on transcript NM_001032283.3 (MANE Select); coding-DNA position 337, A replaced by G.
Protein change: p.Thr113Ala; replaces threonine 113 with alanine.
Molecular consequence: missense variant.
Genome position (GRCh38, 1-based): chr12:98,527,943, A>G. VCF-style: chr12-98527943-A-G. GRCh37 (hg19) VCF-style: chr12-98921721-A-G.
Other names: c.337A>G, p.Thr113Ala (NM_001032284.3, NM_001307975.2, NM_003276.2); short protein forms T113A.
Identifiers: ClinVar variation 1730794 (VCV001730794.3), dbSNP rs769004511, ClinGen allele CA6732170.
Genomic context (GRCh38, chr12:98,527,943, plus strand): 5'-CAGAAAGCCACAAAAAAAACTGATAAACCCAGACAAGAAGATAAAGATGATCTAGATGTA[A>G]CAGAGCTCACTAATGAAGATCTTTTGGATCAGCTTGTGAAATACGGAGTGAATCCTGGTC-3'
Protein context (NP_001027454.1, residues 103-123): RQEDKDDLDV[Thr113Ala]ELTNEDLLDQ

ClinVar aggregate classification (germline): Uncertain significance (1 of 4 stars; one submission).

Allele frequency attached by ClinVar (database versions not stated): ExAC 0.00001; TOPMed 0.00003.

Submission:

Ambry Genetics
Classification: Uncertain significance. Last evaluated: 2025-03-03. Review status: criteria provided, single submitter. Criteria: Ambry Variant Classification Scheme 2023. Collection method: clinical testing. Allele origin: germline.
Comment: The p.T113A variant (also known as c.337A>G), located in coding exon 2 of the TMPO gene, results from an A to G substitution at nucleotide position 337. The threonine at codon 113 is replaced by alanine, an amino acid with similar properties. This amino acid position is conserved. In addition, this alteration is predicted to be tolerated by in silico analysis. Since supporting evidence is limited at this time, the clinical significance of this alteration remains unclear.